The following is an entry in ClinVar:

NM_014915.3(ANKRD26):c.223G>T (p.Asp75Tyr)

Gene: ANKRD26 (ankyrin repeat domain 26; minus strand). Cytogenetic location: 10p12.1.
Variant type: single nucleotide variant.
Coding change: c.223G>T on transcript NM_014915.3 (MANE Select); coding-DNA position 223, G replaced by T.
Protein change: p.Asp75Tyr; replaces aspartic acid 75 with tyrosine.
Molecular consequence: missense variant.
Genome position (GRCh38, 1-based): chr10:27,100,104, C>A on the plus strand (G>T on the coding strand, the complement: ANKRD26 is on the minus strand). VCF-style: chr10-27100104-C-A. GRCh37 (hg19) VCF-style: chr10-27389033-C-A.
Other names: c.223G>T, p.Asp75Tyr (NM_001256053.2); short protein forms D75Y.
Identifiers: ClinVar variation 2884139 (VCV002884139.3), dbSNP rs750596112, ClinGen allele CA5449026.

ClinVar aggregate classification (germline): Uncertain significance (1 of 4 stars; one submission).

Allele frequency attached by ClinVar (database versions not stated): ExAC 0.00002.
gnomAD v4.1: 6 of 1,614,076 alleles (0.00037%); highest among the groups gnomAD compares: East Asian, 0.0022%; no homozygotes.

Submission:

Labcorp Genetics (formerly Invitae), Labcorp
Classification: Uncertain significance. Last evaluated: 2023-05-22. Review status: criteria provided, single submitter. Criteria: Invitae Variant Classification Sherloc (09022015). Collection method: clinical testing. Allele origin: germline.
Comment: This sequence change replaces aspartic acid, which is acidic and polar, with tyrosine, which is neutral and polar, at codon 75 of the ANKRD26 protein (p.Asp75Tyr). This variant is present in population databases (rs750596112, gnomAD 0.01%). This variant has not been reported in the literature in individuals affected with ANKRD26-related conditions. In summary, the available evidence is currently insufficient to determine the role of this variant in disease. Therefore, it has been classified as a Variant of Uncertain Significance. An algorithm developed to predict the effect of missense changes on protein structure and function (PolyPhen-2) suggests that this variant is likely to be disruptive.